The following is an entry in ClinVar:

ClinVar aggregate classification (germline): Uncertain significance. Review status: criteria provided, single submitter (1 of 4 stars). 2 submissions from 2 submitters: Uncertain significance (1). 1 of the submissions does not count toward it. Last evaluated 2024-06-17.

Conditions:
Hereditary breast ovarian cancer syndrome. Also called: Hereditary breast and ovarian cancer syndrome; Hereditary breast and ovarian cancer; Hereditary breast and ovarian cancer syndrome (HBOC); Hereditary breast and/or ovarian cancer syndrome; Breast and ovarian cancer; BRCA1- and BRCA2-Associated Hereditary Breast and Ovarian Cancer. Identifiers: Orphanet 145, MedGen C0677776, MeSH D061325, MONDO:0003582. Disease mechanism: loss of function.
Breast-ovarian cancer, familial, susceptibility to, 2 (BROVCA2). Also called: BRCA2 Hereditary Breast and Ovarian Cancer. Identifiers: Orphanet 145, MedGen C2675520, MONDO:0012933, OMIM 612555. Disease mechanism: loss of function.

Submissions (2):

Labcorp Genetics (formerly Invitae), Labcorp
Classification: Uncertain significance for Hereditary breast ovarian cancer syndrome. Last evaluated: 2024-06-17. Review status: criteria provided, single submitter. Criteria: Invitae Variant Classification Sherloc (09022015). Collection method: clinical testing. Allele origin: germline.
Comment: This sequence change replaces threonine, which is neutral and polar, with serine, which is neutral and polar, at codon 3033 of the BRCA2 protein (p.Thr3033Ser). This variant is not present in population databases (gnomAD no frequency). This variant has not been reported in the literature in individuals affected with BRCA2-related conditions. ClinVar contains an entry for this variant (Variation ID: 977486). Advanced modeling of protein sequence and biophysical properties (such as structural, functional, and spatial information, amino acid conservation, physicochemical variation, residue mobility, and thermodynamic stability) performed at Invitae indicates that this missense variant is not expected to disrupt BRCA2 protein function with a negative predictive value of 95%. In summary, the available evidence is currently insufficient to determine the role of this variant in disease. Therefore, it has been classified as a Variant of Uncertain Significance.

Molecular Section, Niloo Genom lab
Classification: Pathogenic for Breast-ovarian cancer, familial, susceptibility to, 2. Review status: no assertion criteria provided. Collection method: clinical testing. Allele origin: germline. Inheritance: Autosomal dominant inheritance. Affected: yes. Observed: 1 heterozygote. Not counted in ClinVar's aggregate classification.
Comment: The deceted heterozygous missense variant (T3033S) in exon 23 of the BRCA2 gene has not been previously published as a pathogenic variant, nor has it been reported as a benign variant to our knowledge. However, algorithms developed to predict changes on protein function (Mutation taster, Sift, etc.) support the pathogenic effect of the variant on the gene product but it has not been confirmed by functional studies. This variant is absent in population databases, indicating it is not a common benign variant in these populations. Based on available evidence and ACMG standards and guidelines this variant has been classified as likely pathogenic.

NM_000059.4(BRCA2):c.9097A>T (p.Thr3033Ser)

Gene: BRCA2 (BRCA2 DNA repair associated; plus strand). Cytogenetic location: 13q13.1.
Variant type: single nucleotide variant.
Coding change: c.9097A>T on transcript NM_000059.4 (MANE Select); coding-DNA position 9097, A replaced by T.
Protein change: p.Thr3033Ser; replaces threonine 3033 with serine.
Molecular consequence: missense variant.
Genome position (GRCh38, 1-based): chr13:32,379,893, A>T. VCF-style: chr13-32379893-A-T. GRCh37 (hg19) VCF-style: chr13-32954030-A-T.
Other names: short protein forms T3033S.
Identifiers: ClinVar variation 977486 (VCV000977486.5), dbSNP rs766308212, ClinGen allele CA387757676.